The following is an entry in ClinVar:

ClinVar aggregate classification (germline): Uncertain significance (1 of 4 stars; one submission).

Conditions:
Cryopyrin associated periodic syndrome (CAPS). Identifiers: Orphanet 208650, MedGen C2316212, MONDO:0016168.

Allele frequency attached by ClinVar (database versions not stated): gnomAD exomes below 0.00001; TOPMed below 0.00001.
gnomAD v4.1: 1 of 1,614,206 alleles (0.000062%); highest among the groups gnomAD compares: Non-Finnish European, 0.000085%; no homozygotes.

Submission:

Labcorp Genetics (formerly Invitae), Labcorp
Classification: Uncertain significance for Cryopyrin associated periodic syndrome. Last evaluated: 2021-08-07. Review status: criteria provided, single submitter. Criteria: Invitae Variant Classification Sherloc (09022015). Collection method: clinical testing. Allele origin: germline.
Comment: This sequence change replaces asparagine with threonine at codon 722 of the NLRP3 protein (p.Asn722Thr). The asparagine residue is moderately conserved and there is a small physicochemical difference between asparagine and threonine. This variant is not present in population databases (ExAC no frequency). This variant has not been reported in the literature in individuals affected with NLRP3-related conditions. Algorithms developed to predict the effect of missense changes on protein structure and function (SIFT, PolyPhen-2, Align-GVGD) all suggest that this variant is likely to be tolerated. In summary, the available evidence is currently insufficient to determine the role of this variant in disease. Therefore, it has been classified as a Variant of Uncertain Significance.

NM_001243133.2(NLRP3):c.2159A>C (p.Asn720Thr)

Gene: NLRP3 (NLR family pyrin domain containing 3; plus strand). Cytogenetic location: 1q44.
Variant type: single nucleotide variant.
Coding change: c.2159A>C on transcript NM_001243133.2 (MANE Select); coding-DNA position 2159, A replaced by C.
Protein change: p.Asn720Thr; replaces asparagine 720 with threonine.
Molecular consequence: missense variant. On other transcripts: intron variant (2).
Genome position (GRCh38, 1-based): chr1:247,429,593, A>C. VCF-style: chr1-247429593-A-C. GRCh37 (hg19) VCF-style: chr1-247592895-A-C.
Other names: c.2159A>C, p.Asn720Thr (NM_001079821.3, NM_001127461.3); c.2165A>C, p.Asn722Thr (NM_004895.5); c.2150+3994A>C (NM_001127462.3, NM_183395.3); short protein forms N722T, N720T.
Identifiers: ClinVar variation 1420515 (VCV001420515.8), dbSNP rs1663161123, ClinGen allele CA345558936.